The following is an entry in ClinVar:

ClinVar aggregate classification (germline): Uncertain significance (1 of 4 stars; one submission).

Allele frequency attached by ClinVar (database versions not stated): gnomAD exomes below 0.00001; gnomAD 0.00001; ExAC 0.00006.

Submission:

CeGaT Center for Human Genetics Tuebingen
Classification: Uncertain significance. Last evaluated: 2023-11-01. Review status: criteria provided, single submitter. Criteria: CeGaT Center For Human Genetics Tuebingen Variant Classification Criteria Version 2. Collection method: clinical testing. Allele origin: germline. Affected: yes. Observed: 1 variant allele.
Comment: SHANK3: PM2:Supporting

NM_001372044.2(SHANK3):c.3880C>G (p.Gln1294Glu)

Gene: SHANK3 (SH3 and multiple ankyrin repeat domains 3; plus strand). Cytogenetic location: 22q13.33.
Variant type: single nucleotide variant.
Coding change: c.3880C>G on transcript NM_001372044.2 (MANE Select); coding-DNA position 3880, C replaced by G.
Protein change: p.Gln1294Glu; replaces glutamine 1294 with glutamic acid.
Molecular consequence: missense variant.
Genome position (GRCh38, 1-based): chr22:50,721,488, C>G. VCF-style: chr22-50721488-C-G. GRCh37 (hg19) VCF-style: chr22-51159916-C-G.
Other names: c.3655C>G, p.Gln1219Glu (NM_033517.1); short protein forms Q1219E, Q1294E.
Identifiers: ClinVar variation 2672918 (VCV002672918.23), dbSNP rs748600753, ClinGen allele CA10326097.